The following is an entry in ClinVar:

ClinVar aggregate classification (germline): Likely benign (1 of 4 stars; one submission).

Conditions:
Leigh syndrome (NULS). Also called: Leigh's necrotizing encephalopathy; Leigh's disease; Leigh Syndrome (mtDNA deletion); Leigh Disease; Subacute necrotizing encephalopathy; Necrotizing encephalopathy infantile subacute of Leigh. Identifiers: Orphanet 506, MedGen C2931891, MONDO:0009723, OMIM 256000.

Submission:

Wong Mito Lab, Molecular and Human Genetics, Baylor College of Medicine
Classification: Likely benign for Leigh syndrome. Last evaluated: 2019-10-17. Review status: criteria provided, single submitter. Criteria: Modified ACMG Guidelines (Unpublished). Collection method: clinical testing. Allele origin: germline.
Comment: The NC_012920.1:m.8713A>G (YP_003024031.1:p.Thr63Ala) variant in MTATP6 gene is interpretated to be a Likely Benign variant based on the modified ACMG guidelines (unpublished). This variant meets the following evidence codes: BS1, BP4

NC_012920.1(MT-ATP6):m.8713A>G

Gene: MT-ATP6 (mitochondrially encoded ATP synthase 6; plus strand).
Variant type: single nucleotide variant.
Genome position: chrM-8713-A-G.
Identifiers: ClinVar variation 692959 (VCV000692959.1), dbSNP rs1603221721, ClinGen allele CA414797603.
Genomic context (GRCh38, chrMT:8,713, plus strand): 5'-ATCACCACCCAACAATGACTAATCAAACTAACCTCAAAACAAATGATAACCATACACAAC[A>G]CTAAAGGACGAACCTGATCTCTTATACTAGTATCCTTAATCATTTTTATTGCCACAACTA-3'